The following is an entry in ClinVar:

ClinVar aggregate classification (germline): Likely benign (1 of 4 stars; one submission).

Submission:

GeneDx
Classification: Likely benign. Last evaluated: 2017-09-18. Review status: criteria provided, single submitter. Criteria: GeneDx Variant Classification (06012015). Collection method: clinical testing. Allele origin: germline. Affected: yes.
Comment: This variant is considered likely benign or benign based on one or more of the following criteria: it is a conservative change, it occurs at a poorly conserved position in the protein, it is predicted to be benign by multiple in silico algorithms, and/or has population frequency not consistent with disease.

NM_015340.4(LARS2):c.2169T>A (p.Ala723=)

Gene: LARS2 (leucyl-tRNA synthetase 2, mitochondrial; plus strand). Cytogenetic location: 3p21.31.
Variant type: single nucleotide variant.
Coding change: c.2169T>A on transcript NM_015340.4 (MANE Select); coding-DNA position 2169, T replaced by A.
Protein change: p.Ala723=; no amino-acid change (alanine 723 retained).
Molecular consequence: synonymous variant.
Genome position (GRCh38, 1-based): chr3:45,518,027, T>A. VCF-style: chr3-45518027-T-A. GRCh37 (hg19) VCF-style: chr3-45559519-T-A.
Other names: c.2169T>A, p.Ala723= (NM_001368263.1).
Identifiers: ClinVar variation 512157 (VCV000512157.1), dbSNP rs2170549, ClinGen allele CA433434611.